The following is an entry in ClinVar:

ClinVar aggregate classification (germline): Uncertain significance (1 of 4 stars; one submission).

Allele frequency attached by ClinVar (database versions not stated): ExAC 0.00001; gnomAD exomes 0.00002; gnomAD 0.00010; TOPMed 0.00010; ESP Exome Variant Server 0.00015; 1000 Genomes Project 0.00020; 1000 Genomes Project 30x 0.00031.

Submission:

Labcorp Genetics (formerly Invitae), Labcorp
Classification: Uncertain significance. Last evaluated: 2026-01-25. Review status: criteria provided, single submitter. Criteria: Invitae Variant Classification Sherloc (09022015). Collection method: clinical testing. Allele origin: germline.
Comment: This sequence change replaces methionine, which is neutral and non-polar, with threonine, which is neutral and polar, at codon 1017 of the ERBB4 protein (p.Met1017Thr). This variant is present in population databases (rs139001004, gnomAD 0.05%). This variant has not been reported in the literature in individuals affected with ERBB4-related conditions. ClinVar contains an entry for this variant (Variation ID: 1903984). Invitae Evidence Modeling of protein sequence and biophysical properties (such as structural, functional, and spatial information, amino acid conservation, physicochemical variation, residue mobility, and thermodynamic stability) indicates that this missense variant is not expected to disrupt ERBB4 protein function with a negative predictive value of 80%. In summary, the available evidence is currently insufficient to determine the role of this variant in disease. Therefore, it has been classified as a Variant of Uncertain Significance.

NM_005235.3(ERBB4):c.3050T>C (p.Met1017Thr)

Gene: ERBB4 (erb-b2 receptor tyrosine kinase 4; minus strand). Cytogenetic location: 2q34.
Variant type: single nucleotide variant.
Coding change: c.3050T>C on transcript NM_005235.3 (MANE Select); coding-DNA position 3050, T replaced by C.
Protein change: p.Met1017Thr; replaces methionine 1017 with threonine.
Molecular consequence: missense variant.
Genome position (GRCh38, 1-based): chr2:211,420,526, A>G on the plus strand (T>C on the coding strand, the complement: ERBB4 is on the minus strand). VCF-style: chr2-211420526-A-G. GRCh37 (hg19) VCF-style: chr2-212285251-A-G.
Other names: c.3050T>C, p.Met1017Thr (NM_001042599.2); short protein forms M1017T.
Identifiers: ClinVar variation 1903984 (VCV001903984.5), dbSNP rs139001004, ClinGen allele CA2087553.